The following is an entry in ClinVar:

ClinVar aggregate classification (germline): Uncertain significance. Review status: criteria provided, multiple submitters, no conflicts (2 of 4 stars). 2 submissions from 2 submitters: Uncertain significance (2). Last evaluated 2026-05-04.

Conditions:
Hereditary cancer-predisposing syndrome. Also called: Neoplastic Syndromes, Hereditary; Tumor predisposition; Hereditary Cancer Syndrome; Hereditary neoplastic syndrome. Identifiers: Orphanet 140162, MedGen C0027672, MeSH D009386, MONDO:0015356.

Submissions (2):

Women's Health and Genetics/Laboratory Corporation of America, LabCorp
Classification: Uncertain significance. Last evaluated: 2026-05-04. Review status: criteria provided, single submitter. Criteria: LabCorp Variant Classification Summary - May 2015. Collection method: clinical testing. Allele origin: germline.

Ambry Genetics
Classification: Uncertain significance for Hereditary cancer-predisposing syndrome. Last evaluated: 2022-10-29. Review status: criteria provided, single submitter. Criteria: Ambry Variant Classification Scheme 2023. Collection method: clinical testing. Allele origin: germline.
Comment: The p.L763P variant (also known as c.2288T>C), located in coding exon 9 of the BLM gene, results from a T to C substitution at nucleotide position 2288. The leucine at codon 763 is replaced by proline, an amino acid with similar properties. This amino acid position is conserved. In addition, this alteration is predicted to be deleterious by in silico analysis. Since supporting evidence is limited at this time, the clinical significance of this alteration remains unclear.

NM_000057.4(BLM):c.2288T>C (p.Leu763Pro)

Gene: BLM (BLM RecQ like helicase; plus strand). Cytogenetic location: 15q26.1.
Variant type: single nucleotide variant.
Coding change: c.2288T>C on transcript NM_000057.4 (MANE Select); coding-DNA position 2288, T replaced by C.
Protein change: p.Leu763Pro; replaces leucine 763 with proline.
Molecular consequence: missense variant.
Genome position (GRCh38, 1-based): chr15:90,767,004, T>C. VCF-style: chr15-90767004-T-C. GRCh37 (hg19) VCF-style: chr15-91310234-T-C.
Other names: c.2288T>C, p.Leu763Pro (NM_001287246.2, NM_001287247.2); c.1163T>C, p.Leu388Pro (NM_001287248.2); short protein forms L388P, L763P.
Identifiers: ClinVar variation 1789048 (VCV001789048.3), dbSNP rs2505447487, ClinGen allele CA393844967.